The following is an entry in ClinVar:

NM_001379286.1(ZNF423):c.3875A>C (p.Gln1292Pro)

Gene: ZNF423 (zinc finger protein 423; minus strand). Cytogenetic location: 16q12.1.
Variant type: single nucleotide variant.
Coding change: c.3875A>C on transcript NM_001379286.1 (MANE Select); coding-DNA position 3875, A replaced by C.
Protein change: p.Gln1292Pro; replaces glutamine 1292 with proline.
Molecular consequence: missense variant.
Genome position (GRCh38, 1-based): chr16:49,491,279, T>G on the plus strand (A>C on the coding strand, the complement: ZNF423 is on the minus strand). VCF-style: chr16-49491279-T-G. GRCh37 (hg19) VCF-style: chr16-49525190-T-G.
Other names: c.3671A>C, p.Gln1224Pro (NM_001271620.2); c.3500A>C, p.Gln1167Pro (NM_001330533.2); c.3851A>C, p.Gln1284Pro (NM_015069.5); c.3851A>C (NM_015069.4); short protein forms Q1167P, Q1224P, Q1284P, Q1292P.
Identifiers: ClinVar variation 767050 (VCV000767050.37), dbSNP rs150302551, ClinGen allele CA8046157.

ClinVar aggregate classification (germline): Likely benign. Review status: criteria provided, multiple submitters, no conflicts (2 of 4 stars). 5 submissions from 5 submitters: Likely benign (4). 1 of the submissions does not count toward it. Last evaluated 2025-12-31.

Conditions:
ZNF423-related disorder. Also called: ZNF423-related condition.
Nephronophthisis 14 (NPHP14). Identifiers: Orphanet 2318, MedGen C3539071, MONDO:0013916, OMIM 614844.

Allele frequency attached by ClinVar (database versions not stated): gnomAD exomes 0.00018 and 0.00049; ExAC 0.00064; 1000 Genomes Project 0.00140; 1000 Genomes Project 30x 0.00156; gnomAD 0.00198 and 0.00213; TOPMed 0.00216; ESP Exome Variant Server 0.00254.

Submissions (5):

Labcorp Genetics (formerly Invitae), Labcorp
Classification: Likely benign for Nephronophthisis 14. Last evaluated: 2025-12-31. Review status: criteria provided, single submitter. Criteria: Invitae Variant Classification Sherloc (09022015). Collection method: clinical testing. Allele origin: germline.

Blueprint Genetics
Classification: Likely benign. Last evaluated: 2024-09-16. Review status: criteria provided, single submitter. Criteria: ACMG Guidelines, 2015. Collection method: clinical testing. Allele origin: germline.

CeGaT Center for Human Genetics Tuebingen
Classification: Likely benign. Last evaluated: 2023-05-01. Review status: criteria provided, single submitter. Criteria: CeGaT Center For Human Genetics Tuebingen Variant Classification Criteria Version 2. Collection method: clinical testing. Allele origin: germline. Affected: yes. Observed: 2 variant alleles.
Comment: ZNF423: BS2

Breakthrough Genomics
Classification: Likely benign. Review status: criteria provided, single submitter. Criteria: ACMG Guidelines, 2015. Collection method: not provided. Allele origin: germline. Inheritance: Autosomal dominant inheritance. Affected: yes.

PreventionGenetics, part of Exact Sciences
Classification: Likely benign for ZNF423-related condition. Last evaluated: 2019-07-26. Review status: no assertion criteria provided. Collection method: clinical testing. Allele origin: germline. Not counted in ClinVar's aggregate classification.
Comment: This variant is classified as likely benign based on ACMG/AMP sequence variant interpretation guidelines (Richards et al. 2015 PMID: 25741868, with internal and published modifications).